The following is an entry in ClinVar:

ClinVar aggregate classification (germline): Conflicting classifications of pathogenicity. Review status: criteria provided, conflicting classifications (1 of 4 stars). 3 submissions from 3 submitters: Uncertain significance (2); Likely benign (1). Last evaluated 2025-04-09.

Conditions:
Hereditary cancer-predisposing syndrome. Also called: Hereditary neoplastic syndrome; Neoplastic Syndromes, Hereditary; Hereditary Cancer Syndrome; Tumor predisposition. Identifiers: Orphanet 140162, MedGen C0027672, MeSH D009386, MONDO:0015356.

Submissions (3):

Ambry Genetics
Classification: Likely benign for Hereditary cancer-predisposing syndrome. Last evaluated: 2025-04-09. Review status: criteria provided, single submitter. Criteria: Ambry Variant Classification Scheme 2023. Collection method: clinical testing. Allele origin: germline.

GeneDx
Classification: Uncertain significance. Last evaluated: 2022-11-30. Review status: criteria provided, single submitter. Criteria: GeneDx Variant Classification Process June 2021. Collection method: clinical testing. Allele origin: germline. Affected: yes.
Comment: Not observed at significant frequency in large population cohorts (gnomAD); In silico analysis supports that this missense variant does not alter protein structure/function; Has not been previously published as pathogenic or benign to our knowledge

Labcorp Genetics (formerly Invitae), Labcorp
Classification: Uncertain significance. Last evaluated: 2022-02-24. Review status: criteria provided, single submitter. Criteria: Invitae Variant Classification Sherloc (09022015). Collection method: clinical testing. Allele origin: germline.
Comment: This variant is present in population databases (no rsID available, gnomAD 0.003%). This sequence change replaces threonine, which is neutral and polar, with serine, which is neutral and polar, at codon 105 of the HOXB13 protein (p.Thr105Ser). This variant has not been reported in the literature in individuals affected with HOXB13-related conditions. In summary, the available evidence is currently insufficient to determine the role of this variant in disease. Therefore, it has been classified as a Variant of Uncertain Significance. Algorithms developed to predict the effect of missense changes on protein structure and function output the following: SIFT: "Tolerated"; PolyPhen-2: "Benign"; Align-GVGD: "Class C0". The serine amino acid residue is found in multiple mammalian species, which suggests that this missense change does not adversely affect protein function.

NM_006361.6(HOXB13):c.314C>G (p.Thr105Ser)

Gene: HOXB13 (homeobox B13; minus strand). Cytogenetic location: 17q21.32.
Variant type: single nucleotide variant.
Coding change: c.314C>G on transcript NM_006361.6 (MANE Select); coding-DNA position 314, C replaced by G.
Protein change: p.Thr105Ser; replaces threonine 105 with serine.
Molecular consequence: missense variant.
Genome position (GRCh38, 1-based): chr17:48,728,280, G>C on the plus strand (C>G on the coding strand, the complement: HOXB13 is on the minus strand). VCF-style: chr17-48728280-G-C. GRCh37 (hg19) VCF-style: chr17-46805642-G-C.
Other names: c.314C>G (NM_006361.5); short protein forms T105S.
Identifiers: ClinVar variation 1488867 (VCV001488867.10), dbSNP rs140492479, ClinGen allele CA400107708.
Genomic context (GRCh38, chr17:48,728,280, plus strand): 5'-GTGGGGCGGCTGGGGTACTCTTCCCCGGCCGTGGGAGTCTCCGCGGGGTACGCGGCCAGG[G>C]TGGCTGCCTGGGCACAGGGTTTCAGCGAGCTCCGGGACACTCGGCAGGAGTAGTACCCGC-3'
Protein context (NP_006352.2, residues 95-115): SSLKPCAQAA[Thr105Ser]LAAYPAETPT